The following is an entry in ClinVar:

NM_016169.4(SUFU):c.1106T>C (p.Val369Ala)

Gene: SUFU (SUFU negative regulator of hedgehog signaling; plus strand). Cytogenetic location: 10q24.32.
Variant type: single nucleotide variant.
Coding change: c.1106T>C on transcript NM_016169.4 (MANE Select); coding-DNA position 1106, T replaced by C.
Protein change: p.Val369Ala; replaces valine 369 with alanine.
Molecular consequence: missense variant.
Genome position (GRCh38, 1-based): chr10:102,615,351, T>C. VCF-style: chr10-102615351-T-C. GRCh37 (hg19) VCF-style: chr10-104375108-T-C.
Other names: c.1106T>C, p.Val369Ala (NM_001178133.2); short protein forms V369A.
Identifiers: ClinVar variation 524659 (VCV000524659.9), dbSNP rs1554854584, ClinGen allele CA377914261.
Genomic context (GRCh38, chr10:102,615,351, plus strand): 5'-GTGACAGCTCCACGGCCATCATTCCCCATGAGCTGATTCGCACGCGGCAGCTTGAGAGCG[T>C]ACATCTGAAATTCAACCAGGAGTCCGGAGCCCTCATTCCTCTCTGCCTAAGGTGAGCGAG-3'
Protein context (NP_057253.2, residues 359-379): ELIRTRQLES[Val369Ala]HLKFNQESGA

ClinVar aggregate classification (germline): Uncertain significance. Review status: criteria provided, multiple submitters, no conflicts (2 of 4 stars). 2 submissions from 2 submitters: Uncertain significance (2). Last evaluated 2024-05-06.

Conditions:
Hereditary cancer-predisposing syndrome. Also called: Neoplastic Syndromes, Hereditary; Tumor predisposition; Hereditary neoplastic syndrome; Hereditary Cancer Syndrome. Identifiers: Orphanet 140162, MedGen C0027672, MeSH D009386, MONDO:0015356.
Gorlin syndrome. Also called: Basal cell nevus syndrome; Nevoid Basal Cell Carcinoma Syndrome. Identifiers: Orphanet 377, MedGen C0004779, MONDO:0007187.
Medulloblastoma (MDB). Also called: Medulloblastoma, somatic; MEDULLOBLASTOMA PREDISPOSITION SYNDROME. Identifiers: Orphanet 616, MedGen C0025149, MeSH D008527, MONDO:0007959, OMIM 155255, HP:0002885.

Allele frequency attached by ClinVar (database versions not stated): gnomAD exomes below 0.00001.
gnomAD v4.1: 1 of 1,613,976 alleles (0.000062%); highest among the groups gnomAD compares: Non-Finnish European, 0.000085%; no homozygotes.

Submissions (2):

Labcorp Genetics (formerly Invitae), Labcorp
Classification: Uncertain significance for Gorlin syndrome; Medulloblastoma. Last evaluated: 2024-05-06. Review status: criteria provided, single submitter. Criteria: Invitae Variant Classification Sherloc (09022015). Collection method: clinical testing. Allele origin: germline.
Comment: This sequence change replaces valine, which is neutral and non-polar, with alanine, which is neutral and non-polar, at codon 369 of the SUFU protein (p.Val369Ala). This variant is not present in population databases (gnomAD no frequency). This variant has not been reported in the literature in individuals affected with SUFU-related conditions. ClinVar contains an entry for this variant (Variation ID: 524659). Advanced modeling of protein sequence and biophysical properties (such as structural, functional, and spatial information, amino acid conservation, physicochemical variation, residue mobility, and thermodynamic stability) performed at Invitae indicates that this missense variant is not expected to disrupt SUFU protein function with a negative predictive value of 80%. In summary, the available evidence is currently insufficient to determine the role of this variant in disease. Therefore, it has been classified as a Variant of Uncertain Significance.

Ambry Genetics
Classification: Uncertain significance for Hereditary cancer-predisposing syndrome. Last evaluated: 2022-08-05. Review status: criteria provided, single submitter. Criteria: Ambry Variant Classification Scheme 2023. Collection method: clinical testing. Allele origin: germline.
Comment: The p.V369A variant (also known as c.1106T>C), located in coding exon 9 of the SUFU gene, results from a T to C substitution at nucleotide position 1106. The valine at codon 369 is replaced by alanine, an amino acid with similar properties. This amino acid position is highly conserved in available vertebrate species. In addition, the in silico prediction for this alteration is inconclusive. Since supporting evidence is limited at this time, the clinical significance of this alteration remains unclear.